The following is an entry in ClinVar:

ClinVar aggregate classification (germline): Uncertain significance. Review status: criteria provided, multiple submitters, no conflicts (2 of 4 stars). 2 submissions from 2 submitters: Uncertain significance (2). Last evaluated 2022-10-13.

Conditions:
Cardiovascular phenotype. Identifiers: MedGen CN230736.
Walker-Warburg congenital muscular dystrophy. Also called: Muscular dystrophy-dystroglycanopathy, type A; Walker-Warburg syndrome. Identifiers: Orphanet 899, MedGen C0265221, MONDO:0000171.

Allele frequency attached by ClinVar (database versions not stated): TOPMed below 0.00001; gnomAD exomes 0.00001; ExAC 0.00004.
gnomAD v4.1: 10 of 1,581,778 alleles (0.00063%); highest among the groups gnomAD compares: Non-Finnish European, 0.00087%; no homozygotes.

Submissions (2):

Labcorp Genetics (formerly Invitae), Labcorp
Classification: Uncertain significance for Walker-Warburg congenital muscular dystrophy. Last evaluated: 2022-10-13. Review status: criteria provided, single submitter. Criteria: Invitae Variant Classification Sherloc (09022015). Collection method: clinical testing. Allele origin: germline.
Comment: In summary, the available evidence is currently insufficient to determine the role of this variant in disease. Therefore, it has been classified as a Variant of Uncertain Significance. Algorithms developed to predict the effect of missense changes on protein structure and function (SIFT, PolyPhen-2, Align-GVGD) all suggest that this variant is likely to be disruptive. This missense change has been observed in individual(s) with limb-girdle muscular dystrophy (PMID: 23746544). This variant is present in population databases (rs771679473, gnomAD 0.004%). This sequence change replaces tyrosine, which is neutral and polar, with cysteine, which is neutral and slightly polar, at codon 306 of the FKTN protein (p.Tyr306Cys).

Ambry Genetics
Classification: Uncertain significance for Cardiovascular phenotype. Last evaluated: 2021-12-08. Review status: criteria provided, single submitter. Criteria: Ambry Variant Classification Scheme 2023. Collection method: clinical testing. Allele origin: germline.
Comment: The p.Y306C variant (also known as c.917A>G), located in coding exon 7 of the FKTN gene, results from an A to G substitution at nucleotide position 917. The tyrosine at codon 306 is replaced by cysteine, an amino acid with highly dissimilar properties. This alteration has been reported as homozygous in an individual with concerns for muscular dystrophy that included dilated cardiomyopathy and proximal muscle weakness (Riisager M et al. Neuromuscul Disord, 2013 Jul;23:562-7). This amino acid position is well conserved in available vertebrate species. In addition, this alteration is predicted to be deleterious by in silico analysis. Since supporting evidence is limited at this time, the clinical significance of this alteration remains unclear.

Literature cited by the submitters: PubMed 23746544 (cited by Labcorp Genetics (formerly Invitae), Labcorp and Ambry Genetics).

NM_001079802.2(FKTN):c.917A>G (p.Tyr306Cys)

Gene: FKTN (fukutin; plus strand). Cytogenetic location: 9q31.2.
Variant type: single nucleotide variant.
Coding change: c.917A>G on transcript NM_001079802.2 (MANE Select); coding-DNA position 917, A replaced by G.
Protein change: p.Tyr306Cys; replaces tyrosine 306 with cysteine.
Molecular consequence: missense variant. On other transcripts: non-coding transcript variant (1).
Genome position (GRCh38, 1-based): chr9:105,617,965, A>G. VCF-style: chr9-105617965-A-G. GRCh37 (hg19) VCF-style: chr9-108380246-A-G.
Other names: c.917A>G, p.Tyr306Cys (NM_001198963.2, NM_001351496.2, NM_001351498.2 and 1 more transcripts); c.848A>G, p.Tyr283Cys (NM_001351497.2); c.521A>G, p.Tyr174Cys (NM_001351499.2, NM_001351500.2, NM_001351501.2 and 1 more transcripts); short protein forms Y283C, Y174C, Y306C.
Identifiers: ClinVar variation 1766057 (VCV001766057.7), dbSNP rs771679473, ClinGen allele CA5170535.